The following is an entry in ClinVar:

ClinVar aggregate classification (germline): Conflicting classifications of pathogenicity. Review status: criteria provided, conflicting classifications (1 of 4 stars). 2 submissions from 2 submitters: Uncertain significance (1); Likely benign (1). Last evaluated 2025-03-07.

Conditions:
Primary ciliary dyskinesia. Also called: Ciliary dyskinesia. Identifiers: Orphanet 244, MedGen C0008780, MONDO:0016575, HP:0012265.

Allele frequency attached by ClinVar (database versions not stated): TOPMed 0.00001; ESP Exome Variant Server 0.00008.
gnomAD v4.1: 24 of 1,613,276 alleles (0.0015%); highest among the groups gnomAD compares: Non-Finnish European, 0.0016%; no homozygotes.

Submissions (2):

Labcorp Genetics (formerly Invitae), Labcorp
Classification: Likely benign for Primary ciliary dyskinesia. Last evaluated: 2025-03-07. Review status: criteria provided, single submitter. Criteria: Invitae Variant Classification Sherloc (09022015). Collection method: clinical testing. Allele origin: germline.

Ambry Genetics
Classification: Uncertain significance for Primary ciliary dyskinesia. Last evaluated: 2025-03-01. Review status: criteria provided, single submitter. Criteria: Ambry Variant Classification Scheme 2023. Collection method: clinical testing. Allele origin: germline.
Comment: The p.L2025V variant (also known as c.6073C>G), located in coding exon 36 of the DNAH11 gene, results from a C to G substitution at nucleotide position 6073. The leucine at codon 2025 is replaced by valine, an amino acid with highly similar properties. This amino acid position is conserved. In addition, this alteration is predicted to be tolerated by in silico analysis. Based on the available evidence, the clinical significance of this variant remains unclear.

NM_001277115.2(DNAH11):c.6073C>G (p.Leu2025Val)

Gene: DNAH11 (dynein axonemal heavy chain 11; plus strand). Cytogenetic location: 7p15.3.
Variant type: single nucleotide variant.
Coding change: c.6073C>G on transcript NM_001277115.2 (MANE Select); coding-DNA position 6073, C replaced by G.
Protein change: p.Leu2025Val; replaces leucine 2025 with valine.
Molecular consequence: missense variant.
Genome position (GRCh38, 1-based): chr7:21,698,106, C>G. VCF-style: chr7-21698106-C-G. GRCh37 (hg19) VCF-style: chr7-21737724-C-G.
Other names: c.6094C>G, p.Leu2032Val (NM_003777.3); c.6073C>G (NM_001277115.1); short protein forms L2032V, L2025V.
Identifiers: ClinVar variation 2196618 (VCV002196618.5), dbSNP rs368561050, ClinGen allele CA4180680.